The following is an entry in ClinVar:

ClinVar aggregate classification (germline): Uncertain significance (1 of 4 stars; one submission).

Conditions:
Danon disease. Also called: ANTOPOL DISEASE; PSEUDOGLYCOGENOSIS II; GSD IIb; LYSOSOMAL GLYCOGEN STORAGE DISEASE WITHOUT ACID MALTASE DEFICIENCY; Glycogen Storage Disease Type IIb. Identifiers: Orphanet 34587, MedGen C0878677, MONDO:0010281, OMIM 300257.

gnomAD v4.1: 5 of 1,209,081 alleles (0.00041%); highest among the groups gnomAD compares: African/African-American, 0.0052%; no homozygotes.

Submission:

Labcorp Genetics (formerly Invitae), Labcorp
Classification: Uncertain significance for Danon disease. Last evaluated: 2025-02-16. Review status: criteria provided, single submitter. Criteria: Invitae Variant Classification Sherloc (09022015). Collection method: clinical testing. Allele origin: germline.
Comment: This sequence change replaces glutamine, which is neutral and polar, with proline, which is neutral and non-polar, at codon 178 of the LAMP2 protein (p.Gln178Pro). This variant is present in population databases (rs775432228, gnomAD 0.008%), including at least one homozygous and/or hemizygous individual. This variant has not been reported in the literature in individuals affected with LAMP2-related conditions. ClinVar contains an entry for this variant (Variation ID: 1345619). Invitae Evidence Modeling of protein sequence and biophysical properties (such as structural, functional, and spatial information, amino acid conservation, physicochemical variation, residue mobility, and thermodynamic stability) indicates that this missense variant is not expected to disrupt LAMP2 protein function with a negative predictive value of 80%. In summary, the available evidence is currently insufficient to determine the role of this variant in disease. Therefore, it has been classified as a Variant of Uncertain Significance.

NM_002294.3(LAMP2):c.533A>C (p.Gln178Pro)

Gene: LAMP2 (lysosome associated membrane protein 2; minus strand). Cytogenetic location: Xq24.
Variant type: single nucleotide variant.
Coding change: c.533A>C on transcript NM_002294.3 (MANE Select); coding-DNA position 533, A replaced by C.
Protein change: p.Gln178Pro; replaces glutamine 178 with proline.
Molecular consequence: missense variant.
Genome position (GRCh38, 1-based): chrX:120,448,993, T>G on the plus strand (A>C on the coding strand, the complement: LAMP2 is on the minus strand). VCF-style: chrX-120448993-T-G. GRCh37 (hg19) VCF-style: chrX-119582848-T-G.
Other names: c.533A>C, p.Gln178Pro (NM_001122606.1, NM_013995.2); short protein forms Q178P.
Identifiers: ClinVar variation 1345619 (VCV001345619.8), dbSNP rs775432228, ClinGen allele CA10505295.